The following is an entry in ClinVar:

NM_001042492.3(NF1):c.5656T>G (p.Leu1886Val)

Gene: NF1 (neurofibromin 1; plus strand). Cytogenetic location: 17q11.2.
Variant type: single nucleotide variant.
Coding change: c.5656T>G on transcript NM_001042492.3 (MANE Select); coding-DNA position 5656, T replaced by G.
Protein change: p.Leu1886Val; replaces leucine 1886 with valine.
Molecular consequence: missense variant.
Genome position (GRCh38, 1-based): chr17:31,330,342, T>G. VCF-style: chr17-31330342-T-G. GRCh37 (hg19) VCF-style: chr17-29657360-T-G.
Other names: c.5593T>G, p.Leu1865Val (NM_000267.4); short protein forms L1865V, L1886V.
Identifiers: ClinVar variation 4800785 (VCV004800785.2).

ClinVar aggregate classification (germline): Uncertain significance. Review status: criteria provided, multiple submitters, no conflicts (2 of 4 stars). 2 submissions from 2 submitters: Uncertain significance (2). Last evaluated 2026-07-05.

Conditions:
Neurofibromatosis, type 1 (NF1). Also called: VON RECKLINGHAUSEN DISEASE; Peripheral type neurofibromatosis; NEUROFIBROMATOSIS, TYPE I, SOMATIC; Neurofibromatosis, type I. Identifiers: Orphanet 636, MedGen C0027831, MONDO:0018975, OMIM 162200. Disease mechanism: loss of function.
Cardiovascular phenotype. Identifiers: MedGen CN230736.
Hereditary cancer-predisposing syndrome. Also called: Hereditary Cancer Syndrome; Hereditary neoplastic syndrome; Neoplastic Syndromes, Hereditary; Tumor predisposition. Identifiers: Orphanet 140162, MedGen C0027672, MeSH D009386, MONDO:0015356.

Submissions (2):

Ambry Genetics
Classification: Uncertain significance for Cardiovascular phenotype; Hereditary cancer-predisposing syndrome. Last evaluated: 2026-07-05. Review status: criteria provided, single submitter. Criteria: Ambry Variant Classification Scheme 2023. Collection method: clinical testing. Allele origin: germline.
Comment: The p.L1865V variant (also known as c.5593T>G), located in coding exon 38 of the NF1 gene, results from a T to G substitution at nucleotide position 5593. The leucine at codon 1865 is replaced by valine, an amino acid with highly similar properties. This amino acid position is conserved. In addition, this alteration is predicted to be deleterious by in silico analysis. Based on the available evidence, the clinical significance of this variant remains unclear.

Labcorp Genetics (formerly Invitae), Labcorp
Classification: Uncertain significance for Neurofibromatosis, type 1. Last evaluated: 2025-03-25. Review status: criteria provided, single submitter. Criteria: Invitae Variant Classification Sherloc (09022015). Collection method: clinical testing. Allele origin: germline.
Comment: This sequence change replaces leucine, which is neutral and non-polar, with valine, which is neutral and non-polar, at codon 1865 of the NF1 protein (p.Leu1865Val). This variant is not present in population databases (gnomAD no frequency). This variant has not been reported in the literature in individuals affected with NF1-related conditions. Invitae Evidence Modeling of protein sequence and biophysical properties (such as structural, functional, and spatial information, amino acid conservation, physicochemical variation, residue mobility, and thermodynamic stability) indicates that this missense variant is expected to disrupt NF1 protein function with a positive predictive value of 95%. In summary, the available evidence is currently insufficient to determine the role of this variant in disease. Therefore, it has been classified as a Variant of Uncertain Significance.